The following is an entry in ClinVar:

ClinVar aggregate classification (germline): Likely pathogenic (1 of 4 stars; one submission).

Conditions:
Cerebral cavernous malformation (CCM). Also called: CAVERNOUS ANGIOMA, FAMILIAL; CAVERNOUS ANGIOMATOUS MALFORMATIONS; CEREBRAL CAPILLARY MALFORMATIONS; Cavernous Hemangioma of Brain; Cerebral cavernous malformations; Cerebral cavernous hemangioma (type). Identifiers: Orphanet 221061, MedGen C2919945, MONDO:0000820, OMIM 116860, HP:0033522.

Submission:

Institute of Human Genetics, University of Leipzig Medical Center
Classification: Likely pathogenic for Cerebral cavernous malformation. Last evaluated: 2024-04-23. Review status: criteria provided, single submitter. Criteria: ACMG Guidelines, 2015. Collection method: clinical testing. Allele origin: unknown. Affected: yes.
Comment: Criteria applied: PVS1,PM2_SUP

NM_194454.3(KRIT1):c.479T>A (p.Leu160Ter)

Gene: KRIT1 (KRIT1 ankyrin repeat containing; minus strand). Cytogenetic location: 7q21.2.
Variant type: single nucleotide variant.
Coding change: c.479T>A on transcript NM_194454.3 (MANE Select); coding-DNA position 479, T replaced by A.
Protein change: p.Leu160Ter; replaces leucine 160 with a stop codon.
Molecular consequence: nonsense. On other transcripts: 5 prime UTR variant (1).
Genome position (GRCh38, 1-based): chr7:92,236,419, A>T on the plus strand (T>A on the coding strand, the complement: KRIT1 is on the minus strand). VCF-style: chr7-92236419-A-T. GRCh37 (hg19) VCF-style: chr7-91865733-A-T.
Other names: c.479T>A, p.Leu160Ter (NM_001350690.1, NM_001350691.1, NM_001350692.1 and 29 more transcripts); c.-105T>A (NM_001350671.1); short protein forms L160*.
Identifiers: ClinVar variation 3358949 (VCV003358949.2).
Genomic context (GRCh38, chr7:92,236,419, plus strand): 5'-TACTATAAACATGTATTTGATTAATTAAAAGATACTTCTAACGGCATTTCTTACTTATCC[A>T]AGGCTATTAACATCCTTGCTGTAAGTGTAGCAAAATGAGTACTGGATTCACTACAGACTC-3'